The following is an entry in ClinVar:

Single allele

Genes: SNTG2 (syntrophin gamma 2; plus strand), TPO (thyroid peroxidase; plus strand). Cytogenetic location: 2p25.3.
Variant type: Deletion.
Identifiers: ClinVar variation 560077 (VCV000560077.3).

ClinVar aggregate classification (germline): Uncertain significance (1 of 4 stars; one submission).

Submission:

Geisinger Autism and Developmental Medicine Institute, Geisinger Health System
Classification: Uncertain significance. Last evaluated: 2014-01-24. Review status: criteria provided, single submitter. Criteria: ACMG CNV Guidelines, 2011. Collection method: provider interpretation. Allele origin: maternal.